The following is an entry in ClinVar:

ClinVar aggregate classification (germline): Uncertain significance (1 of 4 stars; one submission).

Conditions:
Ehlers-Danlos syndrome, dermatosparaxis type. Also called: EDS VIIC; Dermatosparaxis; Ehlers-Danlos syndrome, type VII, autosomal recessive. Identifiers: Orphanet 1901, MedGen C2700425, MONDO:0009161, OMIM 225410.

gnomAD v4.1: 4 of 1,610,908 alleles (0.00025%); highest among the groups gnomAD compares: Non-Finnish European, 0.00034%; no homozygotes.

Submission:

Labcorp Genetics (formerly Invitae), Labcorp
Classification: Uncertain significance for Ehlers-Danlos syndrome, dermatosparaxis type. Last evaluated: 2024-11-13. Review status: criteria provided, single submitter. Criteria: Invitae Variant Classification Sherloc (09022015). Collection method: clinical testing. Allele origin: germline.
Comment: This sequence change replaces arginine, which is basic and polar, with serine, which is neutral and polar, at codon 493 of the ADAMTS2 protein (p.Arg493Ser). The frequency data for this variant in the population databases is considered unreliable, as metrics indicate poor data quality at this position in the gnomAD database. This variant has not been reported in the literature in individuals affected with ADAMTS2-related conditions. An algorithm developed to predict the effect of missense changes on protein structure and function (PolyPhen-2) suggests that this variant is likely to be disruptive. In summary, the available evidence is currently insufficient to determine the role of this variant in disease. Therefore, it has been classified as a Variant of Uncertain Significance.

NM_014244.5(ADAMTS2):c.1477C>A (p.Arg493Ser)

Gene: ADAMTS2 (ADAM metallopeptidase with thrombospondin type 1 motif 2; minus strand). Cytogenetic location: 5q35.3.
Variant type: single nucleotide variant.
Coding change: c.1477C>A on transcript NM_014244.5 (MANE Select); coding-DNA position 1477, C replaced by A.
Protein change: p.Arg493Ser; replaces arginine 493 with serine.
Molecular consequence: missense variant.
Genome position (GRCh38, 1-based): chr5:179,153,529, G>T on the plus strand (C>A on the coding strand, the complement: ADAMTS2 is on the minus strand). VCF-style: chr5-179153529-G-T. GRCh37 (hg19) VCF-style: chr5-178580530-G-T.
Other names: c.1477C>A, p.Arg493Ser (NM_021599.4); short protein forms R493S.
Identifiers: ClinVar variation 3715778 (VCV003715778.1).